The following is an entry in ClinVar:

NM_003119.4(SPG7):c.1324+308G>T

Gene: SPG7 (SPG7 matrix AAA peptidase subunit, paraplegin; plus strand). Cytogenetic location: 16q24.3.
Variant type: single nucleotide variant.
Coding change: c.1324+308G>T on transcript NM_003119.4 (MANE Select); 308 bases into the intron after coding-DNA position 1324, G replaced by T.
Molecular consequence: intron variant.
Genome position (GRCh38, 1-based): chr16:89,532,944, G>T. VCF-style: chr16-89532944-G-T. GRCh37 (hg19) VCF-style: chr16-89599352-G-T.
Other names: c.1324+308G>T (NM_001363850.1, NM_199367.3).
Identifiers: ClinVar variation 669951 (VCV000669951.1), dbSNP rs680716, ClinGen allele CA14273837.

ClinVar aggregate classification (germline): Benign (1 of 4 stars; one submission).

Allele frequency attached by ClinVar (database versions not stated): gnomAD 0.42590 and 0.43484; TOPMed 0.43300; gnomAD exomes 0.47888; 1000 Genomes Project 30x 0.49844; 1000 Genomes Project 0.50339.

Submission:

GeneDx
Classification: Benign. Last evaluated: 2018-06-14. Review status: criteria provided, single submitter. Criteria: GeneDx Variant Classification (06012015). Collection method: clinical testing. Allele origin: germline. Affected: yes.
Comment: This variant is considered likely benign or benign based on one or more of the following criteria: it is a conservative change, it occurs at a poorly conserved position in the protein, it is predicted to be benign by multiple in silico algorithms, and/or has population frequency not consistent with disease.